The following is an entry in ClinVar:

ClinVar aggregate classification (germline): Conflicting classifications of pathogenicity. Review status: criteria provided, conflicting classifications (1 of 4 stars). 2 submissions from 2 submitters: Uncertain significance (1); Likely benign (1). Last evaluated 2024-10-16.

Conditions:
Inborn genetic diseases. Identifiers: MedGen C0950123, MeSH D030342.

Allele frequency attached by ClinVar (database versions not stated): gnomAD exomes 0.00001; TOPMed 0.00006; ExAC 0.00002; gnomAD 0.00003; ESP Exome Variant Server 0.00008.
gnomAD v4.1: 21 of 1,613,822 alleles (0.0013%); highest among the groups gnomAD compares: East Asian, 0.013%; no homozygotes.

Submissions (2):

Labcorp Genetics (formerly Invitae), Labcorp
Classification: Uncertain significance for Combined immunodeficiency due to DOCK8 deficiency. Last evaluated: 2024-10-16. Review status: criteria provided, single submitter. Criteria: Invitae Variant Classification Sherloc (09022015). Collection method: clinical testing. Allele origin: germline.
Comment: This sequence change replaces threonine, which is neutral and polar, with alanine, which is neutral and non-polar, at codon 1121 of the DOCK8 protein (p.Thr1121Ala). This variant is present in population databases (rs373466608, gnomAD 0.01%). This variant has not been reported in the literature in individuals affected with DOCK8-related conditions. ClinVar contains an entry for this variant (Variation ID: 656179). Invitae Evidence Modeling of protein sequence and biophysical properties (such as structural, functional, and spatial information, amino acid conservation, physicochemical variation, residue mobility, and thermodynamic stability) indicates that this missense variant is not expected to disrupt DOCK8 protein function with a negative predictive value of 80%. In summary, the available evidence is currently insufficient to determine the role of this variant in disease. Therefore, it has been classified as a Variant of Uncertain Significance.

Ambry Genetics
Classification: Likely benign for Inborn genetic diseases. Last evaluated: 2024-06-26. Review status: criteria provided, single submitter. Criteria: Ambry Variant Classification Scheme 2023. Collection method: clinical testing. Allele origin: germline.

NM_203447.4(DOCK8):c.3361A>G (p.Thr1121Ala)

Gene: DOCK8 (dedicator of cytokinesis 8; plus strand). Cytogenetic location: 9p24.3.
Variant type: single nucleotide variant.
Coding change: c.3361A>G on transcript NM_203447.4 (MANE Select); coding-DNA position 3361, A replaced by G.
Protein change: p.Thr1121Ala; replaces threonine 1121 with alanine.
Molecular consequence: missense variant.
Genome position (GRCh38, 1-based): chr9:405,044, A>G. VCF-style: chr9-405044-A-G. GRCh37 (hg19) VCF-style: chr9-405044-A-G.
Other names: c.3061A>G, p.Thr1021Ala (NM_001190458.2); c.3157A>G, p.Thr1053Ala (NM_001193536.2); short protein forms T1021A, T1121A, T1053A.
Identifiers: ClinVar variation 656179 (VCV000656179.10), dbSNP rs373466608, ClinGen allele CA4958648.